The following is an entry in ClinVar:

ClinVar aggregate classification (germline): Uncertain significance (1 of 4 stars; one submission).

Conditions:
Hereditary cancer-predisposing syndrome. Also called: Neoplastic Syndromes, Hereditary; Hereditary Cancer Syndrome; Tumor predisposition; Hereditary neoplastic syndrome. Identifiers: Orphanet 140162, MedGen C0027672, MeSH D009386, MONDO:0015356.

Allele frequency attached by ClinVar (database versions not stated): gnomAD exomes below 0.00001.

Submission:

Ambry Genetics
Classification: Uncertain significance for Hereditary cancer-predisposing syndrome. Last evaluated: 2025-08-30. Review status: criteria provided, single submitter. Criteria: Ambry Variant Classification Scheme 2023. Collection method: clinical testing. Allele origin: germline.
Comment: The p.N43S variant (also known as c.128A>G), located in coding exon 2 of the EPCAM gene, results from an A to G substitution at nucleotide position 128. The asparagine at codon 43 is replaced by serine, an amino acid with highly similar properties. This amino acid position is conserved. In addition, this alteration is predicted to be tolerated by in silico analysis. Since supporting evidence is limited at this time, the clinical significance of this alteration remains unclear.

NM_002354.3(EPCAM):c.128A>G (p.Asn43Ser)

Gene: EPCAM (epithelial cell adhesion molecule; plus strand). Cytogenetic location: 2p21.
Variant type: single nucleotide variant.
Coding change: c.128A>G on transcript NM_002354.3 (MANE Select); coding-DNA position 128, A replaced by G.
Protein change: p.Asn43Ser; replaces asparagine 43 with serine.
Molecular consequence: missense variant.
Genome position (GRCh38, 1-based): chr2:47,373,514, A>G. VCF-style: chr2-47373514-A-G. GRCh37 (hg19) VCF-style: chr2-47600653-A-G.
Other names: short protein forms N43S.
Identifiers: ClinVar variation 2447111 (VCV002447111.3), dbSNP rs2103745705, ClinGen allele CA346722506.